The following is an entry in ClinVar:

ClinVar aggregate classification (germline): Uncertain significance (1 of 4 stars; one submission).

Conditions:
Clark-Baraitser syndrome. Also called: BARAITSER SYNDROME; Mental retardation, tall stature, obesity, macrocephaly and typical facial features; Intellectual disability, autosomal dominant 49; MENTAL RETARDATION, AUTOSOMAL DOMINANT 49. Identifiers: Orphanet 600731, MedGen C2931130, MONDO:0030914, OMIM 617752.

Allele frequency attached by ClinVar (database versions not stated): gnomAD exomes below 0.00001; TOPMed 0.00003; ExAC 0.00001; gnomAD 0.00001.
gnomAD v4.1: 4 of 1,607,520 alleles (0.00025%); highest among the groups gnomAD compares: African/African-American, 0.0027%; no homozygotes.

Submission:

New York Genome Center
Classification: Uncertain significance for Clark-Baraitser syndrome. Last evaluated: 2020-05-01. Review status: criteria provided, single submitter. Criteria: NYGC Assertion Criteria 2020. Collection method: clinical testing. Allele origin: inherited. Observed: 1 heterozygote. Study: CSER-NYCKidSeq.
Comment: The inherited c.5857A>G (p.Ser1953Gly) missense variant in exon 41 of 42 of TRIP12 has not been reported in affected individuals in the available literature. This variant is not present in gnomAD indicating it is not a common benign variant in the populations represented in this database. The missense change is localized in the conserved HECT domain of the TRIP12 protein and In silico predictors suggest this variant is Neutral (Provean; score: -2.35) and Tolerated (SIFT; score: 0.112). Given the conflicting evidence regarding its pathogenicity, the inherited c.5857A>G (p.Ser1953Gly) variant identified in the TRIP12 gene is reported as a Variant of Uncertain Significance.

NM_001348323.3(TRIP12):c.5938A>G (p.Ser1980Gly)

Gene: TRIP12 (thyroid hormone receptor interactor 12; minus strand). Cytogenetic location: 2q36.3.
Variant type: single nucleotide variant.
Coding change: c.5938A>G on transcript NM_001348323.3 (MANE Select); coding-DNA position 5938, A replaced by G.
Protein change: p.Ser1980Gly; replaces serine 1980 with glycine.
Molecular consequence: missense variant.
Genome position (GRCh38, 1-based): chr2:229,768,685, T>C on the plus strand (A>G on the coding strand, the complement: TRIP12 is on the minus strand). VCF-style: chr2-229768685-T-C. GRCh37 (hg19) VCF-style: chr2-230633401-T-C.
Other names: c.5857A>G, p.Ser1953Gly (NM_001284214.2, NM_001348315.2); c.5812A>G, p.Ser1938Gly (NM_001284215.2, NM_001348316.2); c.4903A>G, p.Ser1635Gly (NM_001284216.2); c.5797A>G, p.Ser1933Gly (NM_001348317.1, NM_001348318.2); c.5923A>G, p.Ser1975Gly (NM_001348319.1, NM_001348320.2); c.5926A>G, p.Ser1976Gly (NM_001348321.1); c.5938A>G, p.Ser1980Gly (NM_001348322.1, NM_001348324.2, NM_001348325.2 and 2 more transcripts); c.5941A>G, p.Ser1981Gly (NM_001348328.1, NM_001348329.2, NM_001348330.2); and 4 more; short protein forms S1635G, S1905G, S1906G, S1933G, S1938G, S1946G, S1953G, S1954G.
Identifiers: ClinVar variation 1325601 (VCV001325601.1), dbSNP rs749300014, ClinGen allele CA2152190.